The following is an entry in ClinVar:

ClinVar aggregate classification (germline): Benign/Likely benign. Review status: criteria provided, multiple submitters, no conflicts (2 of 4 stars). 3 submissions from 3 submitters: Benign (1); Likely benign (2). Last evaluated 2024-08-26.

Conditions:
Familial cancer of breast. Also called: BREAST CANCER, FAMILIAL; Hereditary breast cancer; hereditary breast carcinoma. Identifiers: Orphanet 227535, MedGen C0346153, MONDO:0016419, OMIM 114480. Disease mechanism: loss of function.
Hereditary cancer-predisposing syndrome. Also called: Neoplastic Syndromes, Hereditary; Tumor predisposition; Hereditary neoplastic syndrome; Hereditary Cancer Syndrome. Identifiers: Orphanet 140162, MedGen C0027672, MeSH D009386, MONDO:0015356.
Fanconi anemia complementation group J. Also called: BRIP1-Related Fanconi Anemia. Identifiers: Orphanet 84, MedGen C1836860, MONDO:0012187, OMIM 609054.

gnomAD v4.1: 2 of 1,613,516 alleles (0.00012%); highest among the groups gnomAD compares: Non-Finnish European, 0.00017%; no homozygotes.

Submissions (3):

Myriad Genetics, Inc.
Classification: Benign for Familial cancer of breast. Last evaluated: 2024-08-26. Review status: criteria provided, single submitter. Criteria: Myriad Autosomal Dominant, Autosomal Recessive and X-Linked Classification Criteria (2023). Collection method: clinical testing. Allele origin: unknown.
Comment: This variant is considered benign. This variant is a silent/synonymous amino acid change and it is not expected to impact splicing.

Labcorp Genetics (formerly Invitae), Labcorp
Classification: Likely benign for Familial cancer of breast; Fanconi anemia complementation group J. Last evaluated: 2023-01-05. Review status: criteria provided, single submitter. Criteria: Invitae Variant Classification Sherloc (09022015). Collection method: clinical testing. Allele origin: germline.

Ambry Genetics
Classification: Likely benign for Hereditary cancer-predisposing syndrome. Last evaluated: 2019-08-16. Review status: criteria provided, single submitter. Criteria: Ambry Variant Classification Scheme 2023. Collection method: clinical testing. Allele origin: germline.

NM_032043.3(BRIP1):c.1233A>G (p.Thr411=)

Gene: BRIP1 (BRCA1 interacting DNA helicase 1; minus strand). Cytogenetic location: 17q23.2.
Variant type: single nucleotide variant.
Coding change: c.1233A>G on transcript NM_032043.3 (MANE Select); coding-DNA position 1233, A replaced by G.
Protein change: p.Thr411=; no amino-acid change (threonine 411 retained).
Molecular consequence: synonymous variant.
Genome position (GRCh38, 1-based): chr17:61,799,207, T>C on the plus strand (A>G on the coding strand, the complement: BRIP1 is on the minus strand). VCF-style: chr17-61799207-T-C. GRCh37 (hg19) VCF-style: chr17-59876568-T-C.
Identifiers: ClinVar variation 1756022 (VCV001756022.6), dbSNP rs1307394552, ClinGen allele CA501151551.